The following is an entry in ClinVar:

ClinVar aggregate classification (germline): Uncertain significance (1 of 4 stars; one submission).

Conditions:
Inborn genetic diseases. Identifiers: MedGen C0950123, MeSH D030342.

Submission:

Ambry Genetics
Classification: Uncertain significance for Inborn genetic diseases. Last evaluated: 2024-06-08. Review status: criteria provided, single submitter. Criteria: Ambry Variant Classification Scheme 2023. Collection method: clinical testing. Allele origin: germline.
Comment: The p.R668Q variant (also known as c.2003G>A), located in coding exon 9 of the ATR gene, results from a G to A substitution at nucleotide position 2003. The arginine at codon 668 is replaced by glutamine, an amino acid with highly similar properties. This amino acid position is conserved. In addition, the in silico prediction for this alteration is inconclusive. Since supporting evidence is limited at this time, the clinical significance of this alteration remains unclear.

NM_001184.4(ATR):c.2003G>A (p.Arg668Gln)

Gene: ATR (ATR checkpoint kinase; minus strand). Cytogenetic location: 3q23.
Variant type: single nucleotide variant.
Coding change: c.2003G>A on transcript NM_001184.4 (MANE Select); coding-DNA position 2003, G replaced by A.
Protein change: p.Arg668Gln; replaces arginine 668 with glutamine.
Molecular consequence: missense variant.
Genome position (GRCh38, 1-based): chr3:142,556,458, C>T on the plus strand (G>A on the coding strand, the complement: ATR is on the minus strand). VCF-style: chr3-142556458-C-T. GRCh37 (hg19) VCF-style: chr3-142275300-C-T.
Other names: c.1811G>A, p.Arg604Gln (NM_001354579.2); short protein forms R668Q, R604Q.
Identifiers: ClinVar variation 1784287 (VCV001784287.3), dbSNP rs878996572, ClinGen allele CA84748717.
Genomic context (GRCh38, chr3:142,556,458, plus strand): 5'-ACTCTGTTACAAGAATTCTGCTGCTGCAATAAGATAAAAAATCCACTAACACAACTAGCC[C>T]GGATTACTTCATGGGAGCTCTGCAGGGCCCAGTTGTAAACTGCTGTTCTCCACTCAAGGA-3'
Protein context (NP_001175.2, residues 658-678): WALQSSHEVI[Arg668Gln]ASCVSGFFIL